The following is an entry in ClinVar:

ClinVar aggregate classification (germline): Uncertain significance. Review status: criteria provided, multiple submitters, no conflicts (2 of 4 stars). 2 submissions from 2 submitters: Uncertain significance (2). Last evaluated 2024-09-30.

Conditions:
Multiple endocrine neoplasia, type 1 (MEN1). Also called: MEN I; WERMER SYNDROME; Endocrine adenomatosis multiple; MEN 1; MEA I. Identifiers: Orphanet 652, MedGen C0025267, MeSH D018761, MONDO:0007540, OMIM 131100.
Hereditary cancer-predisposing syndrome. Also called: Hereditary Cancer Syndrome; Hereditary neoplastic syndrome; Neoplastic Syndromes, Hereditary; Tumor predisposition. Identifiers: Orphanet 140162, MedGen C0027672, MeSH D009386, MONDO:0015356.

Submissions (2):

Ambry Genetics
Classification: Uncertain significance for Hereditary cancer-predisposing syndrome. Last evaluated: 2024-09-30. Review status: criteria provided, single submitter. Criteria: Ambry Variant Classification Scheme 2023. Collection method: clinical testing. Allele origin: germline.
Comment: The p.L551P variant (also known as c.1652T>C), located in coding exon 9 of the MEN1 gene, results from a T to C substitution at nucleotide position 1652. The leucine at codon 551 is replaced by proline, an amino acid with similar properties. This amino acid position is well conserved in available vertebrate species. In addition, this alteration is predicted to be deleterious by in silico analysis. Based on the available evidence, the clinical significance of this variant remains unclear.

Labcorp Genetics (formerly Invitae), Labcorp
Classification: Uncertain significance for Multiple endocrine neoplasia, type 1. Last evaluated: 2024-07-22. Review status: criteria provided, single submitter. Criteria: Invitae Variant Classification Sherloc (09022015). Collection method: clinical testing. Allele origin: germline.
Comment: This sequence change replaces leucine, which is neutral and non-polar, with proline, which is neutral and non-polar, at codon 551 of the MEN1 protein (p.Leu551Pro). This variant is not present in population databases (gnomAD no frequency). This missense change has been observed in individual(s) with MEN1-related conditions (PMID: 30869828). Advanced modeling of protein sequence and biophysical properties (such as structural, functional, and spatial information, amino acid conservation, physicochemical variation, residue mobility, and thermodynamic stability) performed at Invitae indicates that this missense variant is expected to disrupt MEN1 protein function with a positive predictive value of 95%. In summary, the available evidence is currently insufficient to determine the role of this variant in disease. Therefore, it has been classified as a Variant of Uncertain Significance.

Literature cited by the submitters: PubMed 30869828 (cited by Labcorp Genetics (formerly Invitae), Labcorp).

NM_001370259.2(MEN1):c.1652T>C (p.Leu551Pro)

Gene: MEN1 (menin 1; minus strand). Cytogenetic location: 11q13.1.
Variant type: single nucleotide variant.
Coding change: c.1652T>C on transcript NM_001370259.2 (MANE Select); coding-DNA position 1652, T replaced by C.
Protein change: p.Leu551Pro; replaces leucine 551 with proline.
Molecular consequence: missense variant. On other transcripts: non-coding transcript variant (4).
Genome position (GRCh38, 1-based): chr11:64,804,515, A>G on the plus strand (T>C on the coding strand, the complement: MEN1 is on the minus strand). VCF-style: chr11-64804515-A-G. GRCh37 (hg19) VCF-style: chr11-64571987-A-G.
Other names: c.1778T>C, p.Leu593Pro (NM_001370251.2, NM_001407142.1, NM_001407143.1 and 1 more transcripts); c.1652T>C, p.Leu551Pro (NM_001370260.2, NM_001370261.2, NM_001407146.1 and 2 more transcripts); c.1547T>C, p.Leu516Pro (NM_001370262.2, NM_001370263.2, NM_001407148.1 and 1 more transcripts); c.1667T>C, p.Leu556Pro (NM_130800.3, NM_130801.3, NM_130802.3 and 4 more transcripts); c.1793T>C, p.Leu598Pro (NM_001407150.1); c.1673T>C, p.Leu558Pro (NM_001407151.1); c.1487T>C, p.Leu496Pro (NM_001407152.1); short protein forms L551P, L558P, L516P, L496P, L556P, L593P, L598P.
Identifiers: ClinVar variation 3394967 (VCV003394967.3).